The following is an entry in ClinVar:

ClinVar aggregate classification (germline): Uncertain significance (1 of 4 stars; one submission).

Submission:

Labcorp Genetics (formerly Invitae), Labcorp
Classification: Uncertain significance. Last evaluated: 2021-10-22. Review status: criteria provided, single submitter. Criteria: Invitae Variant Classification Sherloc (09022015). Collection method: clinical testing. Allele origin: germline.
Comment: This sequence change replaces alanine with serine at codon 68 of the MPDZ protein (p.Ala68Ser). The alanine residue is weakly conserved and there is a moderate physicochemical difference between alanine and serine. This variant is not present in population databases (ExAC no frequency). This variant has not been reported in the literature in individuals affected with MPDZ-related conditions. Algorithms developed to predict the effect of missense changes on protein structure and function (SIFT, PolyPhen-2, Align-GVGD) all suggest that this variant is likely to be tolerated. In summary, the available evidence is currently insufficient to determine the role of this variant in disease. Therefore, it has been classified as a Variant of Uncertain Significance.

NM_001378778.1(MPDZ):c.202G>T (p.Ala68Ser)

Gene: MPDZ (multiple PDZ domain crumbs cell polarity complex component; minus strand). Cytogenetic location: 9p23.
Variant type: single nucleotide variant.
Coding change: c.202G>T on transcript NM_001378778.1 (MANE Select); coding-DNA position 202, G replaced by T.
Protein change: p.Ala68Ser; replaces alanine 68 with serine.
Molecular consequence: missense variant.
Genome position (GRCh38, 1-based): chr9:13,224,565, C>A on the plus strand (G>T on the coding strand, the complement: MPDZ is on the minus strand). VCF-style: chr9-13224565-C-A. GRCh37 (hg19) VCF-style: chr9-13224564-C-A.
Other names: c.202G>T, p.Ala68Ser (NM_001261406.2, NM_001261407.2, NM_001330637.2 and 14 more transcripts); short protein forms A68S.
Identifiers: ClinVar variation 1346524 (VCV001346524.6), dbSNP rs764604478, ClinGen allele CA372948430.